The following is an entry in ClinVar:

ClinVar aggregate classification (germline): Conflicting classifications of pathogenicity. Review status: criteria provided, conflicting classifications (1 of 4 stars). 2 submissions from 2 submitters: Uncertain significance (1); Likely benign (1). Last evaluated 2025-11-22.

Conditions:
Multiple endocrine neoplasia type 4. Also called: MULTIPLE ENDOCRINE NEOPLASIA, TYPE IV. Identifiers: Orphanet 276152, MedGen C1970712, MONDO:0012552, OMIM 610755.
Hereditary cancer-predisposing syndrome. Also called: Neoplastic Syndromes, Hereditary; Hereditary Cancer Syndrome; Hereditary neoplastic syndrome; Tumor predisposition. Identifiers: Orphanet 140162, MedGen C0027672, MeSH D009386, MONDO:0015356.

Allele frequency attached by ClinVar (database versions not stated): gnomAD 0.00003; ExAC 0.00006.
gnomAD v4.1: 41 of 1,614,054 alleles (0.0025%); highest among the groups gnomAD compares: Non-Finnish European, 0.0017%; no homozygotes.

Submissions (2):

Labcorp Genetics (formerly Invitae), Labcorp
Classification: Uncertain significance for Multiple endocrine neoplasia type 4. Last evaluated: 2025-11-22. Review status: criteria provided, single submitter. Criteria: Invitae Variant Classification Sherloc (09022015). Collection method: clinical testing. Allele origin: germline.
Comment: This sequence change replaces serine, which is neutral and polar, with threonine, which is neutral and polar, at codon 175 of the CDKN1B protein (p.Ser175Thr). This variant is present in population databases (rs753943702, gnomAD 0.03%). This variant has not been reported in the literature in individuals affected with CDKN1B-related conditions. ClinVar contains an entry for this variant (Variation ID: 825583). An algorithm developed to predict the effect of missense changes on protein structure and function (PolyPhen-2) suggests that this variant is likely to be tolerated. In summary, the available evidence is currently insufficient to determine the role of this variant in disease. Therefore, it has been classified as a Variant of Uncertain Significance.

Ambry Genetics
Classification: Likely benign for Hereditary cancer-predisposing syndrome. Last evaluated: 2023-10-23. Review status: criteria provided, single submitter. Criteria: Ambry Variant Classification Scheme 2023. Collection method: clinical testing. Allele origin: germline.

Literature cited by the submitters: PubMed 25586243 (cited by Ambry Genetics).

NM_004064.5(CDKN1B):c.523T>A (p.Ser175Thr)

Gene: CDKN1B (cyclin dependent kinase inhibitor 1B; plus strand). Cytogenetic location: 12p13.1.
Variant type: single nucleotide variant.
Coding change: c.523T>A on transcript NM_004064.5 (MANE Select); coding-DNA position 523, T replaced by A.
Protein change: p.Ser175Thr; replaces serine 175 with threonine.
Molecular consequence: missense variant.
Genome position (GRCh38, 1-based): chr12:12,718,872, T>A. VCF-style: chr12-12718872-T-A. GRCh37 (hg19) VCF-style: chr12-12871806-T-A.
Other names: short protein forms S175T.
Identifiers: ClinVar variation 825583 (VCV000825583.9), dbSNP rs753943702, ClinGen allele CA6457559.